The following is an entry in ClinVar:

ClinVar aggregate classification (germline): Uncertain significance (1 of 4 stars; one submission).

gnomAD v4.1: 1 of 1,594,700 alleles (0.000063%); highest among the groups gnomAD compares: Non-Finnish European, 0.000086%; no homozygotes.

Submission:

Ambry Genetics
Classification: Uncertain significance. Last evaluated: 2022-08-16. Review status: criteria provided, single submitter. Criteria: Ambry Variant Classification Scheme 2023. Collection method: clinical testing. Allele origin: germline.
Comment: The p.Y571C variant (also known as c.1712A>G), located in coding exon 17 of the NEBL gene, results from an A to G substitution at nucleotide position 1712. The tyrosine at codon 571 is replaced by cysteine, an amino acid with highly dissimilar properties. This amino acid position is conserved. In addition, the in silico prediction for this alteration is inconclusive. Since supporting evidence is limited at this time, the clinical significance of this alteration remains unclear.

NM_006393.3(NEBL):c.1712A>G (p.Tyr571Cys)

Gene: NEBL (nebulette; minus strand). Cytogenetic location: 10p12.31.
Variant type: single nucleotide variant.
Coding change: c.1712A>G on transcript NM_006393.3 (MANE Select); coding-DNA position 1712, A replaced by G.
Protein change: p.Tyr571Cys; replaces tyrosine 571 with cysteine.
Molecular consequence: missense variant. On other transcripts: intron variant (9).
Genome position (GRCh38, 1-based): chr10:20,828,594, T>C on the plus strand (A>G on the coding strand, the complement: NEBL is on the minus strand). VCF-style: chr10-20828594-T-C. GRCh37 (hg19) VCF-style: chr10-21117523-T-C.
Other names: c.250-15654A>G (NM_001377326.1, NM_001377327.1, NM_001377328.1); c.358-15654A>G (NM_213569.2, NM_001173484.2, NM_001377322.1); c.301-15654A>G (NM_001377324.1); c.292-15654A>G (NM_001377325.1); c.310-15654A>G (NM_001377323.1); short protein forms Y571C.
Identifiers: ClinVar variation 1778582 (VCV001778582.2), dbSNP rs2491742466, ClinGen allele CA376096580.